The following is an entry in ClinVar:

ClinVar aggregate classification (germline): Uncertain significance (1 of 4 stars; one submission).

Conditions:
Arrhythmogenic right ventricular dysplasia 8 (ARVD8). Also called: Arrhythmogenic Right Ventricular Dysplasia/Cardiomyopathy 8; ARRHYTHMOGENIC RIGHT VENTRICULAR DYSPLASIA, FAMILIAL, 8; ARRHYTHMOGENIC RIGHT VENTRICULAR CARDIOMYOPATHY 8. Identifiers: MedGen C1843896, MONDO:0011831, OMIM 607450.
Arrhythmogenic cardiomyopathy with wooly hair and keratoderma. Also called: PALMOPLANTAR KERATODERMA WITH LEFT VENTRICULAR CARDIOMYOPATHY AND WOOLLY HAIR; Carvajal syndrome; Dilated cardiomyopathy with woolly hair and keratoderma; Arrhythmogenic cardiomyopathy with woolly hair and keratoderma. Identifiers: Orphanet 65282, MedGen C1854063, MONDO:0011581, OMIM 605676.

gnomAD v4.1: 1 of 1,614,076 alleles (0.000062%); highest among the groups gnomAD compares: Non-Finnish European, 0.000085%; no homozygotes.

Submission:

Labcorp Genetics (formerly Invitae), Labcorp
Classification: Uncertain significance for Arrhythmogenic cardiomyopathy with wooly hair and keratoderma; Arrhythmogenic right ventricular dysplasia 8. Last evaluated: 2025-04-08. Review status: criteria provided, single submitter. Criteria: Invitae Variant Classification Sherloc (09022015). Collection method: clinical testing. Allele origin: germline.
Comment: This sequence change replaces arginine, which is basic and polar, with isoleucine, which is neutral and non-polar, at codon 1781 of the DSP protein (p.Arg1781Ile). This variant is not present in population databases (gnomAD no frequency). This variant has not been reported in the literature in individuals affected with DSP-related conditions. ClinVar contains an entry for this variant (Variation ID: 3755987). An algorithm developed to predict the effect of missense changes on protein structure and function (PolyPhen-2) suggests that this variant is likely to be disruptive. In summary, the available evidence is currently insufficient to determine the role of this variant in disease. Therefore, it has been classified as a Variant of Uncertain Significance.

NM_004415.4(DSP):c.5342G>T (p.Arg1781Ile)

Gene: DSP (desmoplakin; plus strand). Cytogenetic location: 6p24.3.
Variant type: single nucleotide variant.
Coding change: c.5342G>T on transcript NM_004415.4 (MANE Select); coding-DNA position 5342, G replaced by T.
Protein change: p.Arg1781Ile; replaces arginine 1781 with isoleucine.
Molecular consequence: missense variant. On other transcripts: intron variant (2).
Genome position (GRCh38, 1-based): chr6:7,581,532, G>T. VCF-style: chr6-7581532-G-T. GRCh37 (hg19) VCF-style: chr6-7581765-G-T.
Other names: c.4051-1110G>T (NM_001319034.2); c.3583-1110G>T (NM_001008844.3); short protein forms R1781I.
Identifiers: ClinVar variation 3755987 (VCV003755987.2).